The following is an entry in ClinVar:

NM_006790.3(MYOT):c.776T>G (p.Met259Arg)

Genes: MYOT (myotilin; plus strand), PKD2L2-DT (PKD2L2 divergent transcript; minus strand). Cytogenetic location: 5q31.2.
Variant type: single nucleotide variant.
Coding change: c.776T>G on transcript NM_006790.3 (MANE Select); coding-DNA position 776, T replaced by G.
Protein change: p.Met259Arg; replaces methionine 259 with arginine.
Molecular consequence: missense variant.
Genome position (GRCh38, 1-based): chr5:137,882,065, T>G. VCF-style: chr5-137882065-T-G. GRCh37 (hg19) VCF-style: chr5-137217754-T-G.
Other names: c.224T>G, p.Met75Arg (NM_001135940.2); c.431T>G, p.Met144Arg (NM_001300911.2); short protein forms M75R, M144R, M259R.
Identifiers: ClinVar variation 2728798 (VCV002728798.3), dbSNP rs375509765, ClinGen allele CA361055385.
Genomic context (GRCh38, chr5:137,882,065, plus strand): 5'-ATCAGGATGCAATCCAGGAGAAATTTTACCCACCACGTTTCATTCAAGTGCCAGAGAACA[T>G]GTCGATTGATGAAGGAAGATTCTGCAGAATGGACTTCAAAGTAAGAGAAGGGTTCAAAAG-3'
Protein context (NP_006781.1, residues 249-269): PPRFIQVPEN[Met259Arg]SIDEGRFCRM

ClinVar aggregate classification (germline): Uncertain significance (1 of 4 stars; one submission).

Conditions:
Myofibrillar myopathy 3 (MFM3). Also called: Autosomal dominant spheroid body myopathy; Muscular dystrophy, proximal, type 1A. Identifiers: Orphanet 266, Orphanet 268129, MedGen C3714934, MONDO:0012215, OMIM 609200.

Submission:

Labcorp Genetics (formerly Invitae), Labcorp
Classification: Uncertain significance for Myofibrillar myopathy 3. Last evaluated: 2023-10-09. Review status: criteria provided, single submitter. Criteria: Invitae Variant Classification Sherloc (09022015). Collection method: clinical testing. Allele origin: germline.
Comment: This sequence change replaces methionine, which is neutral and non-polar, with arginine, which is basic and polar, at codon 259 of the MYOT protein (p.Met259Arg). This variant is not present in population databases (gnomAD no frequency). This variant has not been reported in the literature in individuals affected with MYOT-related conditions. An algorithm developed to predict the effect of missense changes on protein structure and function (PolyPhen-2) suggests that this variant is likely to be tolerated. In summary, the available evidence is currently insufficient to determine the role of this variant in disease. Therefore, it has been classified as a Variant of Uncertain Significance.